The following is an entry in ClinVar:

NM_003079.5(SMARCE1):c.1027+5C>T

Gene: SMARCE1 (SWI/SNF related BAF chromatin remodeling complex subunit E1; minus strand). Cytogenetic location: 17q21.2.
Variant type: single nucleotide variant.
Coding change: c.1027+5C>T on transcript NM_003079.5 (MANE Select); 5 bases into the intron after coding-DNA position 1027, C replaced by T.
Molecular consequence: intron variant.
Genome position (GRCh38, 1-based): chr17:40,630,709, G>A on the plus strand (C>T on the coding strand, the complement: SMARCE1 is on the minus strand). VCF-style: chr17-40630709-G-A. GRCh37 (hg19) VCF-style: chr17-38786961-G-A.
Identifiers: ClinVar variation 1769775 (VCV001769775.2), dbSNP rs771556643, ClinGen allele CA2580093680.

ClinVar aggregate classification (germline): Uncertain significance (1 of 4 stars; one submission).

Conditions:
Hereditary cancer-predisposing syndrome. Also called: Hereditary Cancer Syndrome; Hereditary neoplastic syndrome; Neoplastic Syndromes, Hereditary; Tumor predisposition. Identifiers: Orphanet 140162, MedGen C0027672, MeSH D009386, MONDO:0015356.

gnomAD v4.1: 1 of 1,612,628 alleles (0.000062%); highest among the groups gnomAD compares: Non-Finnish European, 0.000085%; no homozygotes.

Submission:

Ambry Genetics
Classification: Uncertain significance for Hereditary cancer-predisposing syndrome. Last evaluated: 2021-09-02. Review status: criteria provided, single submitter. Criteria: Ambry Variant Classification Scheme 2023. Collection method: clinical testing. Allele origin: germline.
Comment: The c.1027+5C>T intronic variant results from a C to T substitution 5 nucleotides after coding exon 9 in the SMARCE1 gene. This nucleotide position is well conserved in available vertebrate species. In silico splice site analysis predicts that this alteration will not have any significant effect on splicing. Since supporting evidence is limited at this time, the clinical significance of this alteration remains unclear.